The following is an entry in ClinVar:

NM_015015.3(KDM4B):c.2425A>G (p.Met809Val)

Gene: KDM4B (lysine demethylase 4B; plus strand). Cytogenetic location: 19p13.3.
Variant type: single nucleotide variant.
Coding change: c.2425A>G on transcript NM_015015.3 (MANE Select); coding-DNA position 2425, A replaced by G.
Protein change: p.Met809Val; replaces methionine 809 with valine.
Molecular consequence: missense variant.
Genome position (GRCh38, 1-based): chr19:5,137,660, A>G. VCF-style: chr19-5137660-A-G. GRCh37 (hg19) VCF-style: chr19-5137671-A-G.
Other names: c.2527A>G, p.Met843Val (NM_001411148.1); short protein forms M809V, M843V.
Identifiers: ClinVar variation 2502683 (VCV002502683.1), dbSNP rs2512152315, ClinGen allele CA403503960.

ClinVar aggregate classification (germline): Uncertain significance (1 of 4 stars; one submission).

Submission:

GeneDx
Classification: Uncertain significance. Last evaluated: 2022-11-16. Review status: criteria provided, single submitter. Criteria: GeneDx Variant Classification Process June 2021. Collection method: clinical testing. Allele origin: germline. Affected: yes.
Comment: Not observed at significant frequency in large population cohorts (gnomAD); In silico analysis supports a deleterious effect on splicing; In silico analysis supports that this missense variant does not alter protein structure/function; Has not been previously published as pathogenic or benign to our knowledge